The following is an entry in ClinVar:

NM_001211.6(BUB1B):c.107G>A (p.Arg36Gln)

Gene: BUB1B (BUB1 mitotic checkpoint serine/threonine kinase B; plus strand). Cytogenetic location: 15q15.1.
Variant type: single nucleotide variant.
Coding change: c.107G>A on transcript NM_001211.6 (MANE Select); coding-DNA position 107, G replaced by A.
Protein change: p.Arg36Gln; replaces arginine 36 with glutamine.
Molecular consequence: missense variant.
Genome position (GRCh38, 1-based): chr15:40,165,124, G>A. VCF-style: chr15-40165124-G-A. GRCh37 (hg19) VCF-style: chr15-40457325-G-A.
Other names: short protein forms R36Q.
Identifiers: ClinVar variation 1393954 (VCV001393954.6), dbSNP rs534297115, ClinGen allele CA7475352.

ClinVar aggregate classification (germline): Uncertain significance (1 of 4 stars; one submission).

Conditions:
Mosaic variegated aneuploidy syndrome 1 (MVA1). Also called: Warburton-Anyane-Yeboa syndrome. Identifiers: Orphanet 1052, MedGen C1850343, MONDO:0009759, OMIM 257300.

Allele frequency attached by ClinVar (database versions not stated): gnomAD 0.00001; gnomAD exomes 0.00001; TOPMed 0.00001; ExAC 0.00002; 1000 Genomes Project 0.00020; 1000 Genomes Project 30x 0.00031.
gnomAD v4.1: 10 of 1,614,160 alleles (0.00062%); highest among the groups gnomAD compares: East Asian, 0.0022%; no homozygotes.

Submission:

Labcorp Genetics (formerly Invitae), Labcorp
Classification: Uncertain significance for Mosaic variegated aneuploidy syndrome 1. Last evaluated: 2021-11-23. Review status: criteria provided, single submitter. Criteria: Invitae Variant Classification Sherloc (09022015). Collection method: clinical testing. Allele origin: germline.
Comment: In summary, the available evidence is currently insufficient to determine the role of this variant in disease. Therefore, it has been classified as a Variant of Uncertain Significance. This variant is present in population databases (rs534297115, gnomAD 0.005%). This sequence change replaces arginine, which is basic and polar, with glutamine, which is neutral and polar, at codon 36 of the BUB1B protein (p.Arg36Gln). This missense change has been observed in individual(s) with mosaic variegated aneuploidy (PMID: 16411201). Algorithms developed to predict the effect of missense changes on protein structure and function are either unavailable or do not agree on the potential impact of this missense change (SIFT: "Tolerated"; PolyPhen-2: "Probably Damaging"; Align-GVGD: "Class C0").

Literature cited by the submitters: PubMed 16411201.